The following is an entry in ClinVar:

ClinVar aggregate classification (germline): Likely pathogenic (1 of 4 stars; one submission).

Conditions:
Autosomal recessive limb-girdle muscular dystrophy type 2A (LGMDR1). Also called: Muscular dystrophy, limb-girdle, type 2A, Amish; LEYDEN-MOEBIUS MUSCULAR DYSTROPHY; MUSCULAR DYSTROPHY, PELVOFEMORAL; Limb-girdle muscular dystrophy, type 2A; Calpainopathy. Identifiers: Orphanet 267, MedGen C1869123, MONDO:0009675, OMIM 253600. Disease mechanism: loss of function.

Submission:

Labcorp Genetics (formerly Invitae), Labcorp
Classification: Likely pathogenic for Autosomal recessive limb-girdle muscular dystrophy type 2A. Last evaluated: 2022-11-07. Review status: criteria provided, single submitter. Criteria: Invitae Variant Classification Sherloc (09022015). Collection method: clinical testing. Allele origin: germline.
Comment: This variant has been observed in individual(s) with clinical features of CAPN3-related conditions (Invitae). In at least one individual the data is consistent with being in trans (on the opposite chromosome) from a pathogenic variant. In summary, the currently available evidence indicates that the variant is pathogenic, but additional data are needed to prove that conclusively. Therefore, this variant has been classified as Likely Pathogenic. This variant disrupts the c.379+3A>G nucleotide in the CAPN3 gene. Other variant(s) that disrupt this nucleotide have been determined to be pathogenic (PMID: 34697879). This suggests that this nucleotide is clinically significant, and that variants that disrupt this position are likely to be disease-causing. Variants that disrupt the consensus splice site are a relatively common cause of aberrant splicing (PMID: 17576681, 9536098). Algorithms developed to predict the effect of sequence changes on RNA splicing suggest that this variant may disrupt the consensus splice site. ClinVar contains an entry for this variant (Variation ID: 1054201). This variant is not present in population databases (gnomAD no frequency). This sequence change falls in intron 2 of the CAPN3 gene. It does not directly change the encoded amino acid sequence of the CAPN3 protein. It affects a nucleotide within the consensus splice site.

Literature cited by the submitters: PubMed 34697879; PubMed 17576681; PubMed 9536098.

NM_000070.3(CAPN3):c.379+3A>T

Gene: CAPN3 (calpain 3; plus strand). Cytogenetic location: 15q15.1.
Variant type: single nucleotide variant.
Coding change: c.379+3A>T on transcript NM_000070.3 (MANE Select); 3 bases into the intron after coding-DNA position 379, A replaced by T.
Molecular consequence: intron variant.
Genome position (GRCh38, 1-based): chr15:42,384,555, A>T. VCF-style: chr15-42384555-A-T. GRCh37 (hg19) VCF-style: chr15-42676753-A-T.
Other names: c.379+3A>T (NM_024344.2, NM_173087.2).
Identifiers: ClinVar variation 1054201 (VCV001054201.9), dbSNP rs1164215001, ClinGen allele CA2499222920.